The following is an entry in ClinVar:

NM_015340.4(LARS2):c.1249A>G (p.Met417Val)

Genes: LARS2 (leucyl-tRNA synthetase 2, mitochondrial; plus strand), LARS2-AS1 (LARS2 antisense RNA 1; minus strand). Cytogenetic location: 3p21.31.
Variant type: single nucleotide variant.
Coding change: c.1249A>G on transcript NM_015340.4 (MANE Select); coding-DNA position 1249, A replaced by G.
Protein change: p.Met417Val; replaces methionine 417 with valine.
Molecular consequence: missense variant.
Genome position (GRCh38, 1-based): chr3:45,491,526, A>G. VCF-style: chr3-45491526-A-G. GRCh37 (hg19) VCF-style: chr3-45533018-A-G.
Other names: c.1249A>G, p.Met417Val (NM_001368263.1); c.1249A>G (NM_015340.3); short protein forms M417V.
Identifiers: ClinVar variation 2720074 (VCV002720074.7), dbSNP rs763616548, ClinGen allele CA2349566.
Genomic context (GRCh38, chr3:45,491,526, plus strand): 5'-GTGACTGGTGCTATGCGGAGAGGAGTGAGCTTTCTTTTCTTTCCCTGTCAGTTCACAGGT[A>G]TGACCCGGCAGGATGCTTTTCTAGCCCTGACTCAGAAAGCCCGGGGGAAGAGAGTGGGTG-3'
Protein context (NP_056155.1, residues 407-427): RLSSSAEFTG[Met417Val]TRQDAFLALT

ClinVar aggregate classification (germline): Pathogenic/Likely pathogenic. Review status: criteria provided, multiple submitters, no conflicts (2 of 4 stars). 4 submissions from 4 submitters: Pathogenic (1); Likely pathogenic (2). 1 of the submissions does not count toward it. Last evaluated 2026-05-14.

Conditions:
Perrault syndrome 4 (PRLTS4). Identifiers: Orphanet 2855, MedGen C3809105, MONDO:0014126, OMIM 615300.

Allele frequency attached by ClinVar (database versions not stated): gnomAD exomes 0.00001; ExAC 0.00002; gnomAD 0.00001; TOPMed 0.00001.
gnomAD v4.1: 9 of 1,614,008 alleles (0.00056%); highest among the groups gnomAD compares: Middle Eastern, 0.016%; no homozygotes.

Submissions (4):

GeneDx
Classification: Likely pathogenic. Last evaluated: 2026-05-14. Review status: criteria provided, single submitter. Criteria: GeneDx Variant Classification Process June 2021. Collection method: clinical testing. Allele origin: germline.
Comment: Not observed at significant frequency in large population cohorts (gnomAD); In silico analysis suggests that this missense variant does not alter protein structure/function; This variant is associated with the following publications: (PMID: 32842620)

Clinical Genetics Laboratory, Skane University Hospital Lund
Classification: Likely pathogenic for Perrault syndrome 4. Last evaluated: 2026-01-14. Review status: criteria provided, single submitter. Criteria: ACMG Guidelines, 2015. Collection method: clinical testing. Allele origin: germline. Affected: yes.
Comment: PM2, PP1_strong, PP4 samt BP4

Labcorp Genetics (formerly Invitae), Labcorp
Classification: Pathogenic. Last evaluated: 2024-03-12. Review status: criteria provided, single submitter. Criteria: Invitae Variant Classification Sherloc (09022015). Collection method: clinical testing. Allele origin: germline.
Comment: This sequence change replaces methionine, which is neutral and non-polar, with valine, which is neutral and non-polar, at codon 417 of the LARS2 protein (p.Met417Val). This variant is present in population databases (rs763616548, gnomAD 0.003%). This missense change has been observed in individual(s) with deafness (PMID: 32842620). It has also been observed to segregate with disease in related individuals. Advanced modeling of protein sequence and biophysical properties (such as structural, functional, and spatial information, amino acid conservation, physicochemical variation, residue mobility, and thermodynamic stability) performed at Invitae indicates that this missense variant is not expected to disrupt LARS2 protein function with a negative predictive value of 80%. For these reasons, this variant has been classified as Pathogenic.

Institute of Human Genetics, University of Leipzig Medical Center
Classification: Uncertain significance for Perrault syndrome 4. Last evaluated: 2020-06-11. Review status: flagged submission. Criteria: ACMG Guidelines, 2015. Collection method: clinical testing. Allele origin: unknown. Inheritance: Autosomal recessive inheritance. Affected: yes. Not counted in ClinVar's aggregate classification.
ClinVar note: Reason: Claim with insufficient supporting evidence

Literature cited by the submitters: PubMed 32842620 (cited by Labcorp Genetics (formerly Invitae), Labcorp).